The following is an entry in ClinVar:

ClinVar aggregate classification (germline): Conflicting classifications of pathogenicity. Review status: criteria provided, conflicting classifications (1 of 4 stars). 3 submissions from 3 submitters: Uncertain significance (2); Likely benign (1). Last evaluated 2026-07-14.

Conditions:
Leukodystrophy, hypomyelinating, 24 (HLD24). Identifiers: MedGen C5676974, MONDO:0859242, OMIM 619851.
ATP11A-related disorder. Also called: ATP11A-related condition.
Inborn genetic diseases. Identifiers: MedGen C0950123, MeSH D030342.

Allele frequency attached by ClinVar (database versions not stated): gnomAD exomes 0.00003; ExAC 0.00012; gnomAD 0.00030; ESP Exome Variant Server 0.00031; TOPMed 0.00031; 1000 Genomes Project 30x 0.00047; 1000 Genomes Project 0.00060.
gnomAD v4.1: 85 of 1,614,082 alleles (0.0053%); highest among the groups gnomAD compares: African/African-American, 0.11%; no homozygotes.

Submissions (3):

PreventionGenetics, part of Exact Sciences
Classification: Likely benign for ATP11A-related condition. Last evaluated: 2026-07-14. Review status: criteria provided, single submitter. Criteria: ACMG Guidelines, 2015. Collection method: clinical testing. Allele origin: germline.
Comment: This variant is classified as likely benign based on ACMG/AMP sequence variant interpretation guidelines (Richards et al. 2015 PMID: 25741868, with internal and published modifications).

Dasa
Classification: Uncertain significance for Leukodystrophy, hypomyelinating, 24. Last evaluated: 2025-11-07. Review status: criteria provided, single submitter. Criteria: DASA Assertion Criteria. Collection method: clinical testing. Allele origin: germline.
Comment: NM_015205.3(ATP11A):c.407G>A (p.Gly136Asp) is a missense variant that results in the substitution of glycine with aspartic acid. This variant is rare in population databases. Computational prediction algorithms are consistent with a deleterious effect. The currently available literature and clinical evidence are not sufficient to establish a definitive association between this variant and the reported condition. Therefore, this variant is classified as a variant of uncertain significance.

Ambry Genetics
Classification: Uncertain significance for Inborn genetic diseases. Last evaluated: 2021-10-05. Review status: criteria provided, single submitter. Criteria: Ambry Variant Classification Scheme 2023. Collection method: clinical testing. Allele origin: germline.

NM_015205.3(ATP11A):c.407G>A (p.Gly136Asp)

Gene: ATP11A (ATPase phospholipid transporting 11A; plus strand). Cytogenetic location: 13q34.
Variant type: single nucleotide variant.
Coding change: c.407G>A on transcript NM_015205.3 (MANE Select); coding-DNA position 407, G replaced by A.
Protein change: p.Gly136Asp; replaces glycine 136 with aspartic acid.
Molecular consequence: missense variant.
Genome position (GRCh38, 1-based): chr13:112,810,692, G>A. VCF-style: chr13-112810692-G-A. GRCh37 (hg19) VCF-style: chr13-113465006-G-A.
Other names: c.407G>A, p.Gly136Asp (NM_001405661.1, NM_001405662.1, NM_001405663.1 and 1 more transcripts); short protein forms G136D.
Identifiers: ClinVar variation 3131315 (VCV003131315.4), dbSNP rs189709393, ClinGen allele CA7056342.